The following is an entry in ClinVar:

ClinVar aggregate classification (germline): Likely benign. Review status: criteria provided, multiple submitters, no conflicts (2 of 4 stars). 4 submissions from 4 submitters: Likely benign (4). Last evaluated 2026-01-27.

Conditions:
MYBPC3-related disorder. Also called: MYBPC3-related disorders; MYBPC3-related condition; MYBPC3-related disease.
Cardiovascular phenotype. Identifiers: MedGen CN230736.
Cardiomyopathy (CMYO). Also called: Cardiomyopathies. Identifiers: Orphanet 167848, MedGen C0878544, MONDO:0004994, HP:0001638. Inheritance: Various modes of inheritance.
Hypertrophic cardiomyopathy. Also called: HYPERTROPHIC MYOCARDIOPATHY. Identifiers: Orphanet 217569, MedGen C0007194, MeSH D002312, MONDO:0005045, HP:0001639.

Allele frequency attached by ClinVar (database versions not stated): ExAC 0.00002; gnomAD 0.00002 and 0.00003; gnomAD exomes 0.00002 and 0.00017.

Submissions (4):

Labcorp Genetics (formerly Invitae), Labcorp
Classification: Likely benign for Hypertrophic cardiomyopathy. Last evaluated: 2026-01-27. Review status: criteria provided, single submitter. Criteria: Invitae Variant Classification Sherloc (09022015). Collection method: clinical testing. Allele origin: germline.

PreventionGenetics, part of Exact Sciences
Classification: Likely benign for MYBPC3-related condition. Last evaluated: 2025-06-05. Review status: criteria provided, single submitter. Criteria: ACMG Guidelines, 2015. Collection method: clinical testing. Allele origin: germline.
Comment: This variant is classified as likely benign based on ACMG/AMP sequence variant interpretation guidelines (Richards et al. 2015 PMID: 25741868, with internal and published modifications).

Ambry Genetics
Classification: Likely benign for Cardiovascular phenotype. Last evaluated: 2019-07-24. Review status: criteria provided, single submitter. Criteria: Ambry Variant Classification Scheme 2023. Collection method: clinical testing. Allele origin: germline.

Color Diagnostics, LLC DBA Color Health
Classification: Likely benign for Cardiomyopathy. Last evaluated: 2018-12-04. Review status: criteria provided, single submitter. Criteria: ACMG Guidelines, 2015. Collection method: clinical testing. Allele origin: germline.

NM_000256.3(MYBPC3):c.924G>A (p.Pro308=)

Gene: MYBPC3 (myosin binding protein C3; minus strand). Cytogenetic location: 11p11.2.
Variant type: single nucleotide variant.
Coding change: c.924G>A on transcript NM_000256.3 (MANE Select); coding-DNA position 924, G replaced by A.
Protein change: p.Pro308=; no amino-acid change (proline 308 retained).
Molecular consequence: synonymous variant.
Genome position (GRCh38, 1-based): chr11:47,346,629, C>T on the plus strand (G>A on the coding strand, the complement: MYBPC3 is on the minus strand). VCF-style: chr11-47346629-C-T. GRCh37 (hg19) VCF-style: chr11-47368180-C-T.
Other names: c.924G>A, p.Pro308= (LRG_386t1).
Identifiers: ClinVar variation 454337 (VCV000454337.16), dbSNP rs771875597, ClinGen allele CA057479.